The following is an entry in ClinVar:

ClinVar aggregate classification (germline): Benign (1 of 4 stars; one submission).

Allele frequency attached by ClinVar (database versions not stated): 1000 Genomes Project 0.20467; 1000 Genomes Project 30x 0.21049; gnomAD 0.29636 and 0.30159; TOPMed 0.29742.

Submission:

GeneDx
Classification: Benign. Last evaluated: 2018-06-14. Review status: criteria provided, single submitter. Criteria: GeneDx Variant Classification (06012015). Collection method: clinical testing. Allele origin: germline. Affected: yes.
Comment: This variant is considered likely benign or benign based on one or more of the following criteria: it is a conservative change, it occurs at a poorly conserved position in the protein, it is predicted to be benign by multiple in silico algorithms, and/or has population frequency not consistent with disease.

NM_000925.4(PDHB):c.792+172A>T

Genes: PDHB (pyruvate dehydrogenase E1 subunit beta; minus strand), LOC129936948 (ATAC-STARR-seq lymphoblastoid active region 20011; plus strand). Cytogenetic location: 3p14.3.
Variant type: single nucleotide variant.
Coding change: c.792+172A>T on transcript NM_000925.4 (MANE Select); 172 bases into the intron after coding-DNA position 792, A replaced by T.
Molecular consequence: intron variant.
Genome position (GRCh38, 1-based): chr3:58,429,536, T>A on the plus strand (A>T on the coding strand, the complement: PDHB is on the minus strand). VCF-style: chr3-58429536-T-A. GRCh37 (hg19) VCF-style: chr3-58415263-T-A.
Other names: c.738+172A>T (NM_001315536.2, NM_001173468.2).
Identifiers: ClinVar variation 669536 (VCV000669536.1), dbSNP rs55646457, ClinGen allele CA11473720.